The following is an entry in ClinVar:

ClinVar aggregate classification (germline): Likely pathogenic (1 of 4 stars; one submission).

Conditions:
Wiedemann-Steiner syndrome (WDSTS). Also called: Growth deficiency and mental retardation with facial dysmorphism. Identifiers: Orphanet 319182, MedGen C1854630, MONDO:0011518, OMIM 605130.

Submission:

Dubai Health Genomic Medicine Center, Dubai Health
Classification: Likely pathogenic for Wiedemann-Steiner syndrome. Last evaluated: 2024-10-04. Review status: criteria provided, single submitter. Criteria: ACMG Guidelines, 2015. Collection method: research. Allele origin: germline. Affected: yes.
Comment: PVS1,PM2

NM_001197104.2(KMT2A):c.5239C>T (p.Gln1747Ter)

Gene: KMT2A (lysine methyltransferase 2A; plus strand). Cytogenetic location: 11q23.3.
Variant type: single nucleotide variant.
Coding change: c.5239C>T on transcript NM_001197104.2 (MANE Select); coding-DNA position 5239, C replaced by T.
Protein change: p.Gln1747Ter; replaces glutamine 1747 with a stop codon.
Molecular consequence: nonsense.
Genome position (GRCh38, 1-based): chr11:118,494,348, C>T. VCF-style: chr11-118494348-C-T. GRCh37 (hg19) VCF-style: chr11-118365063-C-T.
Other names: c.5329C>T, p.Gln1777Ter (NM_001412597.1); c.5230C>T, p.Gln1744Ter (NM_005933.4); short protein forms Q1744*, Q1747*, Q1777*.
Identifiers: ClinVar variation 3384134 (VCV003384134.1).
Genomic context (GRCh38, chr11:118,494,348, plus strand): 5'-TTGGAGTTCAGTGATGATATTGTGAAGATCATTCAAGCAGCCATTAATTCAGATGGAGGA[C>T]AGCCAGAAATTAAAAAAGCCAACAGCATGGTCAAGTCCTTCTTCATTCGGGTGAATGATA-3'